The following is an entry in ClinVar:

ClinVar aggregate classification (germline): Uncertain significance (1 of 4 stars; one submission).

Allele frequency attached by ClinVar (database versions not stated): gnomAD exomes below 0.00001; ExAC 0.00001.
gnomAD v4.1: 4 of 1,614,024 alleles (0.00025%); highest among the groups gnomAD compares: Non-Finnish European, 0.00034%; no homozygotes.

Submission:

Labcorp Genetics (formerly Invitae), Labcorp
Classification: Uncertain significance. Last evaluated: 2021-02-11. Review status: criteria provided, single submitter. Criteria: Invitae Variant Classification Sherloc (09022015). Collection method: clinical testing. Allele origin: germline.
Comment: This variant is present in population databases (rs760535254, ExAC 0.001%). This sequence change replaces threonine with alanine at codon 1405 of the DMXL2 protein (p.Thr1405Ala). The threonine residue is highly conserved and there is a small physicochemical difference between threonine and alanine. This variant has not been reported in the literature in individuals with DMXL2-related conditions. Algorithms developed to predict the effect of missense changes on protein structure and function are either unavailable or do not agree on the potential impact of this missense change (SIFT: "Deleterious"; PolyPhen-2: "Probably Damaging"; Align-GVGD: "Class C0"). In summary, the available evidence is currently insufficient to determine the role of this variant in disease. Therefore, it has been classified as a Variant of Uncertain Significance.

NM_001378457.1(DMXL2):c.4213A>G (p.Thr1405Ala)

Gene: DMXL2 (Dmx like 2; minus strand). Cytogenetic location: 15q21.2.
Variant type: single nucleotide variant.
Coding change: c.4213A>G on transcript NM_001378457.1 (MANE Select); coding-DNA position 4213, A replaced by G.
Protein change: p.Thr1405Ala; replaces threonine 1405 with alanine.
Molecular consequence: missense variant. On other transcripts: non-coding transcript variant (2), intron variant (2).
Genome position (GRCh38, 1-based): chr15:51,499,011, T>C on the plus strand (A>G on the coding strand, the complement: DMXL2 is on the minus strand). VCF-style: chr15-51499011-T-C. GRCh37 (hg19) VCF-style: chr15-51791208-T-C.
Other names: c.4213A>G, p.Thr1405Ala (NM_001174116.3, NM_001378458.1, NM_001378459.1 and 4 more transcripts); c.3973A>G, p.Thr1325Ala (NM_001378464.1); c.2765-7264A>G (NM_001378460.1); c.2765-3877A>G (NM_001174117.3); short protein forms T1405A, T1325A.
Identifiers: ClinVar variation 1408247 (VCV001408247.7), dbSNP rs760535254, ClinGen allele CA7562054.
Genomic context (GRCh38, chr15:51,499,011, plus strand): 5'-AATCTATCTCAGTATAATCTCGAGTACCATCTTTTCCTACGGTGACTGTTTCCTTTGCTG[T>C]ACTGCCACTTACACTAATAGTTCGAGAGAGATGTCGCTTAGTTCCTTCTCCAGCATCAGG-3'
Protein context (NP_001365386.1, residues 1395-1415): LSRTISVSGS[Thr1405Ala]AKETVTVGKD